The following is an entry in ClinVar:

ClinVar aggregate classification (germline): Likely benign. Review status: criteria provided, multiple submitters, no conflicts (2 of 4 stars). 2 submissions from 2 submitters: Likely benign (2). Last evaluated 2023-05-30.

Conditions:
Cohen syndrome (COH1). Also called: Cutis verticis gyrata, retinitis pigmentosa, and sensorineural deafness; PEPPER SYNDROME. Identifiers: Orphanet 193, MedGen C0265223, MONDO:0008999, OMIM 216550.

gnomAD v4.1: 14 of 1,614,062 alleles (0.00087%); highest among the groups gnomAD compares: Non-Finnish European, 0.0012%; no homozygotes.

Submissions (2):

Labcorp Genetics (formerly Invitae), Labcorp
Classification: Likely benign for Cohen syndrome. Last evaluated: 2023-05-30. Review status: criteria provided, single submitter. Criteria: Invitae Variant Classification Sherloc (09022015). Collection method: clinical testing. Allele origin: germline.

CeGaT Center for Human Genetics Tuebingen
Classification: Likely benign. Last evaluated: 2023-01-01. Review status: criteria provided, single submitter. Criteria: CeGaT Center For Human Genetics Tuebingen Variant Classification Criteria Version 2. Collection method: clinical testing. Allele origin: germline. Affected: yes. Observed: 1 variant allele.
Comment: VPS13B: PM2:Supporting, BP4, BP7

NM_152564.5(VPS13B):c.10926C>T (p.Ile3642=)

Gene: VPS13B (vacuolar protein sorting 13 homolog B; plus strand). Cytogenetic location: 8q22.2.
Variant type: single nucleotide variant.
Coding change: c.10926C>T on transcript NM_152564.5 (MANE Select); coding-DNA position 10926, C replaced by T.
Protein change: p.Ile3642=; no amino-acid change (isoleucine 3642 retained).
Molecular consequence: synonymous variant.
Genome position (GRCh38, 1-based): chr8:99,859,362, C>T. VCF-style: chr8-99859362-C-T. GRCh37 (hg19) VCF-style: chr8-100871590-C-T.
Other names: c.11001C>T, p.Ile3667= (NM_017890.5).
Identifiers: ClinVar variation 2419744 (VCV002419744.29), dbSNP rs753373848, ClinGen allele CA462337052.